The following is an entry in ClinVar:

ClinVar aggregate classification (germline): Uncertain significance (1 of 4 stars; one submission).

Conditions:
THPO-related disorder. Also called: THPO-related condition.

Submission:

PreventionGenetics, part of Exact Sciences
Classification: Uncertain significance for THPO-related condition. Last evaluated: 2024-10-18. Review status: criteria provided, single submitter. Criteria: ACMG Guidelines, 2015. Collection method: clinical testing. Allele origin: germline.
Comment: The THPO c.433G>A variant is predicted to result in the amino acid substitution p.Glu145Lys. To our knowledge, this variant has not been reported in the literature or in a large population database (gnomAD), indicating this variant is rare. At this time, the clinical significance of this variant is uncertain due to the absence of conclusive functional and genetic evidence.

NM_000460.4(THPO):c.450G>A (p.Leu150=)

Gene: THPO (thrombopoietin; minus strand). Cytogenetic location: 3q27.1.
Variant type: single nucleotide variant.
Coding change: c.450G>A on transcript NM_000460.4 (MANE Select); coding-DNA position 450, G replaced by A.
Protein change: p.Leu150=; no amino-acid change (leucine 150 retained).
Molecular consequence: synonymous variant. On other transcripts: missense variant (2).
Genome position (GRCh38, 1-based): chr3:184,373,125, C>T on the plus strand (G>A on the coding strand, the complement: THPO is on the minus strand). VCF-style: chr3-184373125-C-T. GRCh37 (hg19) VCF-style: chr3-184090913-C-T.
Other names: c.438G>A, p.Leu146= (NM_001177597.2, NM_001290022.1); c.433G>A, p.Glu145Lys (NM_001177598.2, NM_001290026.1); c.450G>A, p.Leu150= (NM_001289997.1, NM_001289998.1, NM_001290027.1 and 1 more transcripts); c.870G>A, p.Leu290= (NM_001290003.1); short protein forms E145K.
Identifiers: ClinVar variation 4984605 (VCV004984605.1).